The following is an entry in ClinVar:

NM_002334.4(LRP4):c.4807A>G (p.Ile1603Val)

Genes: LRP4 (LDL receptor related protein 4; minus strand), LRP4-AS1 (LRP4 antisense RNA 1; plus strand). Cytogenetic location: 11p11.2.
Variant type: single nucleotide variant.
Coding change: c.4807A>G on transcript NM_002334.4 (MANE Select); coding-DNA position 4807, A replaced by G.
Protein change: p.Ile1603Val; replaces isoleucine 1603 with valine.
Molecular consequence: missense variant.
Genome position (GRCh38, 1-based): chr11:46,869,018, T>C on the plus strand (A>G on the coding strand, the complement: LRP4 is on the minus strand). VCF-style: chr11-46869018-T-C. GRCh37 (hg19) VCF-style: chr11-46890569-T-C.
Other names: short protein forms I1603V.
Identifiers: ClinVar variation 798244 (VCV000798244.25), dbSNP rs147688807, ClinGen allele CA5969237.
Genomic context (GRCh38, chr11:46,869,018, plus strand): 5'-AGGAAGCAGGCTCAGTACCCGGGAGCCCACCTGTCTGCCGCTGAGGGGAAACCACGATGA[T>C]ATCCATGAGTCCTTCCACATTTGCCAGCACTGTCTCCTTGTTCCGGCCTGAGTATTTGTC-3'
Protein context (NP_002325.2, residues 1593-1613): VLANVEGLMD[Ile1603Val]IVVSPQRQTG

ClinVar aggregate classification (germline): Conflicting classifications of pathogenicity. Review status: criteria provided, conflicting classifications (1 of 4 stars). 2 submissions from 2 submitters: Uncertain significance (1); Likely benign (1). Last evaluated 2026-02-02.

Conditions:
Sclerosteosis 2 (SOST2). Identifiers: Orphanet 3152, MedGen C3280402, MONDO:0013679, OMIM 614305.
Cenani-Lenz syndactyly syndrome. Also called: SYNDACTYLY, TYPE VII; CENANI SYNDACTYLISM. Identifiers: Orphanet 3258, MedGen C1859309, MONDO:0008931, OMIM 212780.
Congenital myasthenic syndrome 17. Identifiers: Orphanet 590, MedGen C4225377, MONDO:0014578, OMIM 616304.

Allele frequency attached by ClinVar (database versions not stated): gnomAD exomes 0.00007 and 0.00019; ExAC 0.00022; ESP Exome Variant Server 0.00062; gnomAD 0.00063 and 0.00068; TOPMed 0.00064; 1000 Genomes Project 0.00200; 1000 Genomes Project 30x 0.00265.
gnomAD v4.1: 223 of 1,614,176 alleles (0.014%); highest among the groups gnomAD compares: African/African-American, 0.24%; no homozygotes.

Submissions (2):

Labcorp Genetics (formerly Invitae), Labcorp
Classification: Likely benign for Cenani-Lenz syndactyly syndrome; Sclerosteosis 2; Congenital myasthenic syndrome 17. Last evaluated: 2026-02-02. Review status: criteria provided, single submitter. Criteria: Invitae Variant Classification Sherloc (09022015). Collection method: clinical testing. Allele origin: germline.

CeGaT Center for Human Genetics Tuebingen
Classification: Uncertain significance. Last evaluated: 2024-10-01. Review status: criteria provided, single submitter. Criteria: CeGaT Center For Human Genetics Tuebingen Variant Classification Criteria Version 2. Collection method: clinical testing. Allele origin: germline. Affected: yes. Observed: 1 variant allele.
Comment: LRP4: PP3